The following is an entry in ClinVar:

NM_019616.4(F7):c.483C>A (p.Asp161Glu)

Gene: F7 (coagulation factor VII; plus strand). Cytogenetic location: 13q34.
Variant type: single nucleotide variant.
Coding change: c.483C>A on transcript NM_019616.4 (MANE Select); coding-DNA position 483, C replaced by A.
Protein change: p.Asp161Glu; replaces aspartic acid 161 with glutamic acid.
Molecular consequence: missense variant. On other transcripts: non-coding transcript variant (1).
Genome position (GRCh38, 1-based): chr13:113,115,778, C>A. VCF-style: chr13-113115778-C-A. GRCh37 (hg19) VCF-style: chr13-113770092-C-A.
Other names: c.549C>A, p.Asp183Glu (NM_000131.5); c.297C>A, p.Asp99Glu (NM_001267554.2); short protein forms D161E, D183E, D99E.
Identifiers: ClinVar variation 1676745 (VCV001676745.2), dbSNP rs6040, ClinGen allele CA7059981.

ClinVar aggregate classification (germline): Uncertain significance (1 of 4 stars; one submission).

Conditions:
Congenital factor VII deficiency. Identifiers: Orphanet 327, MedGen C0272320, MONDO:0009211, OMIM 227500.

gnomAD v4.1: 2 of 1,613,254 alleles (0.00012%); highest among the groups gnomAD compares: South Asian, 0.0022%; no homozygotes.

Submission:

ISTH-SSC Genomics in Thrombosis and Hemostasis, KU Leuven, Center for Molecular and Vascular Biology
Classification: Uncertain significance for Congenital factor VII deficiency. Review status: criteria provided, single submitter. Criteria: ACMG Guidelines, 2015. Collection method: clinical testing. Allele origin: germline. Affected: yes. Observed: 1 heterozygote.
Comment: Submitted to the GoldVariant database by Kathleen Freson, Center for Molecular and Vascular Biology